The following is an entry in ClinVar:

NM_016599.5(MYOZ2):c.442T>C (p.Tyr148His)

Gene: MYOZ2 (myozenin 2; plus strand). Cytogenetic location: 4q26.
Variant type: single nucleotide variant.
Coding change: c.442T>C on transcript NM_016599.5 (MANE Select); coding-DNA position 442, T replaced by C.
Protein change: p.Tyr148His; replaces tyrosine 148 with histidine.
Molecular consequence: missense variant.
Genome position (GRCh38, 1-based): chr4:119,164,276, T>C. VCF-style: chr4-119164276-T-C. GRCh37 (hg19) VCF-style: chr4-120085431-T-C.
Other names: short protein forms Y148H.
Identifiers: ClinVar variation 2976469 (VCV002976469.3), dbSNP rs2529780295, ClinGen allele CA358204208.

ClinVar aggregate classification (germline): Uncertain significance (1 of 4 stars; one submission).

Conditions:
Hypertrophic cardiomyopathy. Also called: HYPERTROPHIC MYOCARDIOPATHY. Identifiers: Orphanet 217569, MedGen C0007194, MeSH D002312, MONDO:0005045, HP:0001639.

Submission:

Labcorp Genetics (formerly Invitae), Labcorp
Classification: Uncertain significance for Hypertrophic cardiomyopathy. Last evaluated: 2023-02-14. Review status: criteria provided, single submitter. Criteria: Invitae Variant Classification Sherloc (09022015). Collection method: clinical testing. Allele origin: germline.
Comment: In summary, the available evidence is currently insufficient to determine the role of this variant in disease. Therefore, it has been classified as a Variant of Uncertain Significance. Advanced modeling of protein sequence and biophysical properties (such as structural, functional, and spatial information, amino acid conservation, physicochemical variation, residue mobility, and thermodynamic stability) performed at Invitae indicates that this missense variant is expected to disrupt MYOZ2 protein function. This variant has not been reported in the literature in individuals affected with MYOZ2-related conditions. This variant is not present in population databases (gnomAD no frequency). This sequence change replaces tyrosine, which is neutral and polar, with histidine, which is basic and polar, at codon 148 of the MYOZ2 protein (p.Tyr148His).